The following is an entry in ClinVar:

NM_013450.4(BAZ2B):c.4634A>G (p.Asn1545Ser)

Genes: BAZ2B (bromodomain adjacent to zinc finger domain 2B; minus strand), LOC126806390 (CDK7 strongly-dependent group 2 enhancer GRCh37_chr2:160205700-160206899; plus strand). Cytogenetic location: 2q24.2.
Variant type: single nucleotide variant.
Coding change: c.4634A>G on transcript NM_013450.4 (MANE Select); coding-DNA position 4634, A replaced by G.
Protein change: p.Asn1545Ser; replaces asparagine 1545 with serine.
Molecular consequence: missense variant.
Genome position (GRCh38, 1-based): chr2:159,349,937, T>C on the plus strand (A>G on the coding strand, the complement: BAZ2B is on the minus strand). VCF-style: chr2-159349937-T-C. GRCh37 (hg19) VCF-style: chr2-160206448-T-C.
Other names: NC_000002.11:g.160206448T>C; c.4634A>G (NM_013450.2); c.4526A>G, p.Asn1509Ser (NM_001289975.1); c.4472A>G, p.Asn1491Ser (NM_001329857.2); c.4559A>G, p.Asn1520Ser (NM_001329858.2); short protein forms N1491S, N1509S, N1520S, N1545S.
Identifiers: ClinVar variation 3040654 (VCV003040654.17), dbSNP rs200214529, ClinGen allele CA1924087.

ClinVar aggregate classification (germline): Likely benign. Review status: criteria provided, multiple submitters, no conflicts (2 of 4 stars). 3 submissions from 3 submitters: Likely benign (2). 1 of the submissions does not count toward it. Last evaluated 2025-01-01.

Conditions:
BAZ2B-related disorder. Also called: BAZ2B-related condition.
Inborn genetic diseases. Identifiers: MedGen C0950123, MeSH D030342.

Allele frequency attached by ClinVar (database versions not stated): gnomAD exomes 0.00012; gnomAD 0.00021; 1000 Genomes Project 30x 0.00031; TOPMed 0.00031; 1000 Genomes Project 0.00040; ExAC 0.00041.
gnomAD v4.1: 216 of 1,614,160 alleles (0.013%); highest among the groups gnomAD compares: East Asian, 0.32%; no homozygotes.

Submissions (4):

CeGaT Center for Human Genetics Tuebingen
Classification: Likely benign. Last evaluated: 2025-01-01. Review status: criteria provided, single submitter. Criteria: CeGaT Center For Human Genetics Tuebingen Variant Classification Criteria Version 2. Collection method: clinical testing. Allele origin: germline. Affected: yes. Observed: 1 variant allele.
Comment: BAZ2B: BP4, BS1

Ambry Genetics
Classification: Likely benign for Inborn genetic diseases. Last evaluated: 2024-03-15. Review status: criteria provided, single submitter. Criteria: Ambry Variant Classification Scheme 2023. Collection method: clinical testing. Allele origin: germline.

PreventionGenetics, part of Exact Sciences
Classification: Likely benign for BAZ2B-related condition. Last evaluated: 2022-03-01. Review status: no assertion criteria provided. Collection method: clinical testing. Allele origin: germline. Not counted in ClinVar's aggregate classification.
Comment: This variant is classified as likely benign based on ACMG/AMP sequence variant interpretation guidelines (Richards et al. 2015 PMID: 25741868, with internal and published modifications).

Dr. Peter K. Rogan Lab, Western University
No classification provided (evidence only). Condition: Gastric cancer. Review status: no classification provided. Collection method: in vitro. Allele origin: not applicable. Functional consequence: retained intron. Not counted in ClinVar's aggregate classification.